The following is an entry in ClinVar:

ClinVar aggregate classification (germline): Benign (1 of 4 stars; one submission).

Allele frequency attached by ClinVar (database versions not stated): ESP Exome Variant Server 0.00008; gnomAD exomes 0.00012; gnomAD 0.00017; TOPMed 0.00025; 1000 Genomes Project 0.00040; ExAC 0.00060; 1000 Genomes Project 30x 0.00078.
gnomAD v4.1: 215 of 1,612,996 alleles (0.013%); highest among the groups gnomAD compares: East Asian, 0.31%; 2 homozygotes.

Submission:

CeGaT Center for Human Genetics Tuebingen
Classification: Benign. Last evaluated: 2023-12-01. Review status: criteria provided, single submitter. Criteria: CeGaT Center For Human Genetics Tuebingen Variant Classification Criteria Version 2. Collection method: clinical testing. Allele origin: germline. Affected: yes. Observed: 1 variant allele.
Comment: FLII: BS1, BS2

NM_002018.4(FLII):c.1228G>A (p.Val410Met)

Gene: FLII (FLII actin remodeling protein; minus strand). Cytogenetic location: 17p11.2.
Variant type: single nucleotide variant.
Coding change: c.1228G>A on transcript NM_002018.4 (MANE Select); coding-DNA position 1228, G replaced by A.
Protein change: p.Val410Met; replaces valine 410 with methionine.
Molecular consequence: missense variant.
Genome position (GRCh38, 1-based): chr17:18,252,017, C>T on the plus strand (G>A on the coding strand, the complement: FLII is on the minus strand). VCF-style: chr17-18252017-C-T. GRCh37 (hg19) VCF-style: chr17-18155331-C-T.
Other names: c.1195G>A, p.Val399Met (NM_001256264.2); c.1066G>A, p.Val356Met (NM_001256265.2); short protein forms V356M, V399M, V410M.
Identifiers: ClinVar variation 3024675 (VCV003024675.22), dbSNP rs150007956, ClinGen allele CA8428594.